The following is an entry in ClinVar:

ClinVar aggregate classification (germline): Uncertain significance (1 of 4 stars; one submission).

gnomAD v4.1: 3 of 1,614,046 alleles (0.00019%); highest among the groups gnomAD compares: East Asian, 0.0045%; no homozygotes.

Submission:

Labcorp Genetics (formerly Invitae), Labcorp
Classification: Uncertain significance. Last evaluated: 2026-01-27. Review status: criteria provided, single submitter. Criteria: Invitae Variant Classification Sherloc (09022015). Collection method: clinical testing. Allele origin: germline.
Comment: This sequence change replaces tyrosine, which is neutral and polar, with cysteine, which is neutral and slightly polar, at codon 112 of the JAK1 protein (p.Tyr112Cys). This variant is present in population databases (rs747503301, gnomAD 0.01%). This variant has not been reported in the literature in individuals affected with JAK1-related conditions. Invitae Evidence Modeling of protein sequence and biophysical properties (such as structural, functional, and spatial information, amino acid conservation, physicochemical variation, residue mobility, and thermodynamic stability) indicates that this missense variant is not expected to disrupt JAK1 protein function with a negative predictive value of 80%. In summary, the available evidence is currently insufficient to determine the role of this variant in disease. Therefore, it has been classified as a Variant of Uncertain Significance.

NM_002227.4(JAK1):c.335A>G (p.Tyr112Cys)

Gene: JAK1 (Janus kinase 1; minus strand). Cytogenetic location: 1p31.3.
Variant type: single nucleotide variant.
Coding change: c.335A>G on transcript NM_002227.4 (MANE Select); coding-DNA position 335, A replaced by G.
Protein change: p.Tyr112Cys; replaces tyrosine 112 with cysteine.
Molecular consequence: missense variant.
Genome position (GRCh38, 1-based): chr1:64,873,518, T>C on the plus strand (A>G on the coding strand, the complement: JAK1 is on the minus strand). VCF-style: chr1-64873518-T-C. GRCh37 (hg19) VCF-style: chr1-65339201-T-C.
Other names: c.335A>G, p.Tyr112Cys (NM_001320923.2, NM_001321852.2, NM_001321853.2 and 4 more transcripts); short protein forms Y112C.
Identifiers: ClinVar variation 4776988 (VCV004776988.1).
Genomic context (GRCh38, chr1:64,873,518, plus strand): 5'-TTTGGAGAATGACGCCACACTGACTGCTCATTGTCGTTGGTTCCATGCCAATTGGTGAAA[T>C]AGAACCTGGAAGGCAGGAAAATGAATGCCAATTGTGGCAAAGGGGACCCAGATGTGGGCA-3'
Protein context (NP_002218.2, residues 102-122): SLRLHYRMRF[Tyr112Cys]FTNWHGTNDN